The following is an entry in ClinVar:

ClinVar aggregate classification (germline): Likely benign. Review status: criteria provided, multiple submitters, no conflicts (2 of 4 stars). 4 submissions from 4 submitters: Likely benign (4). Last evaluated 2025-01-13.

Allele frequency attached by ClinVar (database versions not stated): ExAC 0.00001; gnomAD 0.00001; gnomAD exomes 0.00001; ESP Exome Variant Server 0.00008.
gnomAD v4.1: 15 of 1,614,038 alleles (0.00093%); highest among the groups gnomAD compares: African/African-American, 0.0013%; no homozygotes.

Submissions (4):

Labcorp Genetics (formerly Invitae), Labcorp
Classification: Likely benign. Last evaluated: 2025-01-13. Review status: criteria provided, single submitter. Criteria: Invitae Variant Classification Sherloc (09022015). Collection method: clinical testing. Allele origin: germline.

Women's Health and Genetics/Laboratory Corporation of America, LabCorp
Classification: Likely benign. Last evaluated: 2024-11-29. Review status: criteria provided, single submitter. Criteria: LabCorp Variant Classification Summary - May 2015. Collection method: clinical testing. Allele origin: germline.

Blueprint Genetics
Classification: Likely benign. Last evaluated: 2024-04-08. Review status: criteria provided, single submitter. Criteria: ACMG Guidelines, 2015. Collection method: clinical testing. Allele origin: germline.

CeGaT Center for Human Genetics Tuebingen
Classification: Likely benign. Last evaluated: 2023-01-01. Review status: criteria provided, single submitter. Criteria: CeGaT Center For Human Genetics Tuebingen Variant Classification Criteria Version 2. Collection method: clinical testing. Allele origin: germline. Affected: yes. Observed: 1 variant allele.
Comment: MTOR: BP4, BP7

NM_004958.4(MTOR):c.3834T>C (p.Asp1278=)

Gene: MTOR (mechanistic target of rapamycin kinase; minus strand). Cytogenetic location: 1p36.22.
Variant type: single nucleotide variant.
Coding change: c.3834T>C on transcript NM_004958.4 (MANE Select); coding-DNA position 3834, T replaced by C.
Protein change: p.Asp1278=; no amino-acid change (aspartic acid 1278 retained).
Molecular consequence: synonymous variant.
Genome position (GRCh38, 1-based): chr1:11,204,671, A>G on the plus strand (T>C on the coding strand, the complement: MTOR is on the minus strand). VCF-style: chr1-11204671-A-G. GRCh37 (hg19) VCF-style: chr1-11264728-A-G.
Other names: c.3834T>C, p.Asp1278= (NM_001386500.1); c.2586T>C, p.Asp862= (NM_001386501.1).
Identifiers: ClinVar variation 1117991 (VCV001117991.33), dbSNP rs372297307, ClinGen allele CA590109.